The following is an entry in ClinVar:

NM_004933.3(CDH15):c.277G>A (p.Gly93Ser)

Gene: CDH15 (cadherin 15; plus strand). Cytogenetic location: 16q24.3.
Variant type: single nucleotide variant.
Coding change: c.277G>A on transcript NM_004933.3 (MANE Select); coding-DNA position 277, G replaced by A.
Protein change: p.Gly93Ser; replaces glycine 93 with serine.
Molecular consequence: missense variant.
Genome position (GRCh38, 1-based): chr16:89,180,275, G>A. VCF-style: chr16-89180275-G-A. GRCh37 (hg19) VCF-style: chr16-89246683-G-A.
Other names: short protein forms G93S.
Identifiers: ClinVar variation 2629850 (VCV002629850.1), dbSNP rs1045002194, ClinGen allele CA286492010.

ClinVar aggregate classification (germline): Uncertain significance (1 of 4 stars; one submission).

Conditions:
CDH15-related disorder. Also called: CDH15-related condition.

gnomAD v4.1: 1 of 1,610,608 alleles (0.000062%); highest among the groups gnomAD compares: Non-Finnish European, 0.000085%; no homozygotes.

Submission:

PreventionGenetics, part of Exact Sciences
Classification: Uncertain significance for CDH15-related condition. Last evaluated: 2022-12-20. Review status: criteria provided, single submitter. Criteria: ACMG Guidelines, 2015. Collection method: clinical testing. Allele origin: germline.
Comment: The CDH15 c.277G>A variant is predicted to result in the amino acid substitution p.Gly93Ser. To our knowledge, this variant has not been reported in the literature or in a large population database, indicating this variant is rare. At this time, the clinical significance of this variant is uncertain due to the absence of conclusive functional and genetic evidence.